The following is an entry in ClinVar:

ClinVar aggregate classification (germline): Likely pathogenic. Review status: criteria provided, multiple submitters, no conflicts (2 of 4 stars). 2 submissions from 2 submitters: Likely pathogenic (2). Last evaluated 2025-08-01.

Conditions:
Hypogonadotropic hypogonadism 2 with or without anosmia (HH2). Also called: FGFR1-Related GnRH Deficiency (Kallmann Syndrome 2); HYPOGONADOTROPIC HYPOGONADISM 2 WITH OR WITHOUT ANOSMIA, SUSCEPTIBILITY TO; HYPOGONADOTROPIC HYPOGONADISM 2 WITHOUT ANOSMIA, SUSCEPTIBILITY TO; HYPOGONADOTROPIC HYPOGONADISM 2 WITHOUT ANOSMIA. Identifiers: Orphanet 478, MedGen C1563720, MONDO:0007844, OMIM 147950. Disease mechanism: loss of function.

Submissions (2):

CeGaT Center for Human Genetics Tuebingen
Classification: Likely pathogenic. Last evaluated: 2025-08-01. Review status: criteria provided, single submitter. Criteria: CeGaT Center For Human Genetics Tuebingen Variant Classification Criteria Version 2. Collection method: clinical testing. Allele origin: germline. Affected: yes. Observed: 1 variant allele.
Comment: FGFR1: PM2, PM5, PP3, PS4:Supporting

Reproductive Endocrine Unit, Massachusetts General Hospital
Classification: Likely pathogenic for Hypogonadotropic hypogonadism 2 with or without anosmia. Last evaluated: 2023-05-04. Review status: criteria provided, single submitter. Criteria: ACMG Guidelines, 2015. Collection method: research. Allele origin: inherited. Affected: yes. Observed: 1 variant allele.

NM_023110.3(FGFR1):c.1829G>A (p.Gly610Asp)

Gene: FGFR1 (fibroblast growth factor receptor 1; minus strand). Cytogenetic location: 8p11.23.
Variant type: single nucleotide variant.
Coding change: c.1829G>A on transcript NM_023110.3 (MANE Select); coding-DNA position 1829, G replaced by A.
Protein change: p.Gly610Asp; replaces glycine 610 with aspartic acid.
Molecular consequence: missense variant.
Genome position (GRCh38, 1-based): chr8:38,415,895, C>T on the plus strand (G>A on the coding strand, the complement: FGFR1 is on the minus strand). VCF-style: chr8-38415895-C-T. GRCh37 (hg19) VCF-style: chr8-38273413-C-T.
Other names: c.1829G>A, p.Gly610Asp (NM_000604.2); c.1823G>A, p.Gly608Asp (NM_001174063.2, NM_001174065.2, NM_001354367.2 and 1 more transcripts); c.1799G>A, p.Gly600Asp (NM_001174064.2); c.1562G>A, p.Gly521Asp (NM_001174066.2, NM_023105.3); c.1922G>A, p.Gly641Asp (NM_001174067.2); c.1550G>A, p.Gly517Asp (NM_001354368.2); c.1817G>A, p.Gly606Asp (NM_001354369.2, NM_001410922.1); c.1556G>A, p.Gly519Asp (NM_001354370.2, NM_023106.3); short protein forms G517D, G519D, G521D, G600D, G606D, G608D, G610D, G641D.
Identifiers: ClinVar variation 2505439 (VCV002505439.9), dbSNP rs2150582700, ClinGen allele CA370731573.